The following is an entry in ClinVar:

NM_000062.3(SERPING1):c.1033G>A (p.Gly345Arg)

Gene: SERPING1 (serpin family G member 1; plus strand). Cytogenetic location: 11q12.1.
Variant type: single nucleotide variant.
Coding change: c.1033G>A on transcript NM_000062.3 (MANE Select); coding-DNA position 1033, G replaced by A.
Protein change: p.Gly345Arg; replaces glycine 345 with arginine.
Molecular consequence: missense variant.
Genome position (GRCh38, 1-based): chr11:57,611,720, G>A. VCF-style: chr11-57611720-G-A. GRCh37 (hg19) VCF-style: chr11-57379193-G-A.
Other names: c.1033G>A, p.Gly345Arg (NM_001032295.2); short protein forms G345R.
Identifiers: ClinVar variation 2735614 (VCV002735614.3), dbSNP rs2135324441, ClinGen allele CA380702270.

ClinVar aggregate classification (germline): Pathogenic (1 of 4 stars; one submission).

Submission:

Labcorp Genetics (formerly Invitae), Labcorp
Classification: Pathogenic. Last evaluated: 2023-12-25. Review status: criteria provided, single submitter. Criteria: Invitae Variant Classification Sherloc (09022015). Collection method: clinical testing. Allele origin: germline.
Comment: This sequence change replaces glycine, which is neutral and non-polar, with arginine, which is basic and polar, at codon 345 of the SERPING1 protein (p.Gly345Arg). This variant is not present in population databases (gnomAD no frequency). This missense change has been observed in individuals with hereditary angioedema (PMID: 15971231, 16409206). It has also been observed to segregate with disease in related individuals. Advanced modeling of protein sequence and biophysical properties (such as structural, functional, and spatial information, amino acid conservation, physicochemical variation, residue mobility, and thermodynamic stability) performed at Invitae indicates that this missense variant is expected to disrupt SERPING1 protein function with a positive predictive value of 80%. This variant disrupts the p.Gly345 amino acid residue in SERPING1. Other variant(s) that disrupt this residue have been determined to be pathogenic (Invitae). This suggests that this residue is clinically significant, and that variants that disrupt this residue are likely to be disease-causing. For these reasons, this variant has been classified as Pathogenic.

Literature cited by the submitters: PubMed 15971231; PubMed 16409206.